The following is an entry in ClinVar:

ClinVar aggregate classification (germline): Conflicting classifications of pathogenicity. Review status: criteria provided, conflicting classifications (1 of 4 stars). 3 submissions from 3 submitters: Uncertain significance (1); Benign (1); Likely benign (1). Last evaluated 2025-08-06.

Conditions:
Palmoplantar keratoderma-esophageal carcinoma syndrome (TOC). Also called: Tylosis with Esophageal Cancer; KERATOSIS PALMARIS ET PLANTARIS WITH ESOPHAGEAL CANCER; PALMOPLANTAR KERATODERMA WITH ESOPHAGEAL CANCER. Identifiers: Orphanet 2198, MedGen C1835664, MONDO:0007856, OMIM 148500.

Allele frequency attached by ClinVar (database versions not stated): ExAC 0.00008; gnomAD exomes 0.00010 and 0.00013; TOPMed 0.00010; gnomAD 0.00013; ESP Exome Variant Server 0.00031.
gnomAD v4.1: 207 of 1,610,792 alleles (0.013%); highest among the groups gnomAD compares: East Asian, 0.042%; no homozygotes.

Submissions (3):

Labcorp Genetics (formerly Invitae), Labcorp
Classification: Uncertain significance. Last evaluated: 2025-08-06. Review status: criteria provided, single submitter. Criteria: Invitae Variant Classification Sherloc (09022015). Collection method: clinical testing. Allele origin: germline.
Comment: This sequence change replaces glycine, which is neutral and non-polar, with arginine, which is basic and polar, at codon 9 of the RHBDF2 protein (p.Gly9Arg). This variant is present in population databases (rs138667763, gnomAD 0.04%), and has an allele count higher than expected for a pathogenic variant. This variant has not been reported in the literature in individuals affected with RHBDF2-related conditions. ClinVar contains an entry for this variant (Variation ID: 888849). An algorithm developed to predict the effect of missense changes on protein structure and function outputs the following: PolyPhen-2: "Benign". The arginine amino acid residue is found in multiple mammalian species, which suggests that this missense change does not adversely affect protein function. In summary, the available evidence is currently insufficient to determine the role of this variant in disease. Therefore, it has been classified as a Variant of Uncertain Significance.

Blueprint Genetics
Classification: Likely benign. Last evaluated: 2024-10-01. Review status: criteria provided, single submitter. Criteria: ACMG Guidelines, 2015. Collection method: clinical testing. Allele origin: germline.

Illumina Laboratory Services, Illumina
Classification: Benign for Palmoplantar keratoderma-esophageal carcinoma syndrome. Last evaluated: 2018-01-13. Review status: criteria provided, single submitter. Criteria: ICSL Variant Classification Criteria 13 December 2019. Collection method: clinical testing. Allele origin: germline.
Comment: This variant was observed in the ICSL laboratory as part of a predisposition screen in an ostensibly healthy population. It had not been previously curated by ICSL or reported in the Human Gene Mutation Database (HGMD: prior to June 1st, 2018), and was therefore a candidate for classification through an automated scoring system. Utilizing variant allele frequency, disease prevalence and penetrance estimates, and inheritance mode, an automated score was calculated to assess if this variant is too frequent to cause the disease. Based on the score and internal cut-off values, a variant classified as benign is not then subjected to further curation. The score for this variant resulted in a classification of benign for this disease.

NM_001005498.4(RHBDF2):c.25G>A (p.Gly9Arg)

Gene: RHBDF2 (rhomboid 5 homolog 2; minus strand). Cytogenetic location: 17q25.1.
Variant type: single nucleotide variant.
Coding change: c.25G>A on transcript NM_001005498.4 (MANE Select); coding-DNA position 25, G replaced by A.
Protein change: p.Gly9Arg; replaces glycine 9 with arginine.
Molecular consequence: missense variant. On other transcripts: non-coding transcript variant (3).
Genome position (GRCh38, 1-based): chr17:76,481,500, C>T on the plus strand (G>A on the coding strand, the complement: RHBDF2 is on the minus strand). VCF-style: chr17-76481500-C-T. GRCh37 (hg19) VCF-style: chr17-74477582-C-T.
Other names: c.25G>A, p.Gly9Arg (NM_001376228.1, NM_001376229.1, NM_001376230.1 and 1 more transcripts); short protein forms G9R.
Identifiers: ClinVar variation 888849 (VCV000888849.7), dbSNP rs138667763, ClinGen allele CA8787522.